The following is an entry in ClinVar:

ClinVar aggregate classification (germline): Uncertain significance (1 of 4 stars; one submission).

Submission:

CeGaT Center for Human Genetics Tuebingen
Classification: Uncertain significance. Last evaluated: 2023-02-01. Review status: criteria provided, single submitter. Criteria: CeGaT Center For Human Genetics Tuebingen Variant Classification Criteria Version 2. Collection method: clinical testing. Allele origin: germline. Affected: yes. Observed: 1 variant allele.
Comment: SATB1: PM2

NM_002971.6(SATB1):c.1779+680_1779+681delinsAA

Gene: SATB1 (SATB homeobox 1; minus strand). Cytogenetic location: 3p24.3.
Variant type: Indel.
Coding change: c.1779+680_1779+681delinsAA on transcript NM_002971.6 (MANE Select); bases 680 to 681 of the intron after coding-DNA position 1779, GT replaced by AA.
Molecular consequence: intron variant. On other transcripts: splice donor variant (2).
Genome position (GRCh38, 1-based): chr3:18,351,311-18,351,312, AC replaced by TT on the plus strand (GT replaced by AA on the coding strand, the reverse complement: SATB1 is on the minus strand). VCF-style: chr3-18351311-AC-TT. GRCh37 (hg19) VCF-style: chr3-18392803-AC-TT.
Other names: c.1779+680_1779+681delinsAA (NM_001322874.2, NM_001322872.2, NM_001322873.2 and 2 more transcripts); c.1563+680_1563+681delinsAA (NM_001322876.2); c.1875+1_1875+2delinsAA (NM_001322871.2, NM_001195470.3).
Identifiers: ClinVar variation 2653613 (VCV002653613.24), dbSNP rs2470406329, ClinGen allele CA2695197767.